The following is an entry in ClinVar:

NM_153682.3(PIGP):c.290del (p.Asn97fs)

Gene: PIGP (phosphatidylinositol glycan anchor biosynthesis class P; minus strand). Cytogenetic location: 21q22.13.
Variant type: Deletion.
Coding change: c.290del on transcript NM_153682.3 (MANE Select); coding-DNA position 290, one base deleted (A; older notation c.290delA).
Protein change: p.Asn97fs; shifts the reading frame from asparagine 97.
Molecular consequence: frameshift variant.
Genome position (GRCh38, 1-based): chr21:37,065,697, T deleted on the plus strand (A on the coding strand, the reverse complement: PIGP is on the minus strand); the first of 6 consecutive T bases (chr21:37,065,697-37,065,702); deleting any one gives the same sequence. VCF-style (leftmost placement, unchanged base first): chr21-37065696-AT-A. GRCh37 (hg19) VCF-style: chr21-38437996-AT-A.
Other names: c.290del, p.Asn97fs (NM_001320480.2); c.212del, p.Asn71fs (NM_016430.4); c.362del, p.Asn121fs (NM_153681.2); short protein forms N121fs, N71fs, N97fs.
Identifiers: ClinVar variation 1519026 (VCV001519026.3), dbSNP rs759209452, ClinGen allele CA10021040.
Genomic context (GRCh38, chr21:37,065,696, plus strand): 5'-ACTAATAGAAATATCTCTTAAGGCTGGAATGGCCTCCTCTTGGTATTTCTTCTGCTGTTG[AT>A]TTTTTGCATAGTTATCTGTAAGAAAAGACCAAAAAGCTCTGTTTACCTAAGCAATTTCTT-3'

ClinVar aggregate classification (germline): Conflicting classifications of pathogenicity. Review status: criteria provided, conflicting classifications (1 of 4 stars). 2 submissions from 2 submitters: Likely pathogenic (1); Uncertain significance (1). Last evaluated 2023-04-22.

Submissions (2):

GeneDx
Classification: Likely pathogenic. Last evaluated: 2023-04-22. Review status: criteria provided, single submitter. Criteria: GeneDx Variant Classification Process June 2021. Collection method: clinical testing. Allele origin: germline. Affected: yes.
Comment: Frameshift variant predicted to result in protein truncation as the last 38 amino acids are replaced with 14 different amino acids; Not observed at a significant frequency in large population cohorts (gnomAD); Has not been previously published as pathogenic or benign to our knowledge

Labcorp Genetics (formerly Invitae), Labcorp
Classification: Uncertain significance. Last evaluated: 2022-06-13. Review status: criteria provided, single submitter. Criteria: Invitae Variant Classification Sherloc (09022015). Collection method: clinical testing. Allele origin: germline.
Comment: This sequence change creates a premature translational stop signal (p.Asn121Ilefs*15) in the PIGP gene. While this is not anticipated to result in nonsense mediated decay, it is expected to disrupt the last 38 amino acid(s) of the PIGP protein. This variant is present in population databases (rs759209452, gnomAD 0.006%). This variant has not been reported in the literature in individuals affected with PIGP-related conditions. Experimental studies and prediction algorithms are not available or were not evaluated, and the functional significance of this variant is currently unknown. In summary, the available evidence is currently insufficient to determine the role of this variant in disease. Therefore, it has been classified as a Variant of Uncertain Significance.